The following is an entry in ClinVar:

ClinVar aggregate classification (germline): Uncertain significance. Review status: criteria provided, multiple submitters, no conflicts (2 of 4 stars). 4 submissions from 4 submitters: Uncertain significance (4). Last evaluated 2025-06-16.

Conditions:
Congenital contractural arachnodactyly (CCA). Also called: BEALS SYNDROME; Beals-Hecht syndrome; Arthrogryposis, distal, type 9. Identifiers: Orphanet 115, MedGen C0220668, MONDO:0007363, OMIM 121050.
Familial thoracic aortic aneurysm and aortic dissection (TAAD). Also called: Thoracic aortic aneurysms and dissections. Identifiers: Orphanet 91387, MedGen C4707243, MONDO:0019625.

Allele frequency attached by ClinVar (database versions not stated): TOPMed below 0.00001; gnomAD 0.00001; gnomAD exomes 0.00002.
gnomAD v4.1: 33 of 1,613,448 alleles (0.002%); highest among the groups gnomAD compares: East Asian, 0.071%; no homozygotes.

Submissions (4):

Ambry Genetics
Classification: Uncertain significance for Familial thoracic aortic aneurysm and aortic dissection. Last evaluated: 2025-06-16. Review status: criteria provided, single submitter. Criteria: Ambry Variant Classification Scheme 2023. Collection method: clinical testing. Allele origin: germline.
Comment: The p.N2058S variant (also known as c.6173A>G), located in coding exon 49 of the FBN2 gene, results from an A to G substitution at nucleotide position 6173. The asparagine at codon 2058 is replaced by serine, an amino acid with highly similar properties. This amino acid position is well conserved in available vertebrate species. In addition, the in silico prediction for this alteration is inconclusive. Based on the available evidence, the clinical significance of this variant remains unclear.

Labcorp Genetics (formerly Invitae), Labcorp
Classification: Uncertain significance for Congenital contractural arachnodactyly. Last evaluated: 2025-05-20. Review status: criteria provided, single submitter. Criteria: Invitae Variant Classification Sherloc (09022015). Collection method: clinical testing. Allele origin: germline.
Comment: This sequence change replaces asparagine, which is neutral and polar, with serine, which is neutral and polar, at codon 2058 of the FBN2 protein (p.Asn2058Ser). This variant is not present in population databases (gnomAD no frequency). This variant has not been reported in the literature in individuals affected with FBN2-related conditions. ClinVar contains an entry for this variant (Variation ID: 2637632). Invitae Evidence Modeling of protein sequence and biophysical properties (such as structural, functional, and spatial information, amino acid conservation, physicochemical variation, residue mobility, and thermodynamic stability) indicates that this missense variant is not expected to disrupt FBN2 protein function with a negative predictive value of 80%. In summary, the available evidence is currently insufficient to determine the role of this variant in disease. Therefore, it has been classified as a Variant of Uncertain Significance.

Women's Health and Genetics/Laboratory Corporation of America, LabCorp
Classification: Uncertain significance. Last evaluated: 2023-10-09. Review status: criteria provided, single submitter. Criteria: LabCorp Variant Classification Summary - May 2015. Collection method: clinical testing. Allele origin: germline.

ARUP Laboratories, Molecular Genetics and Genomics, ARUP Laboratories
Classification: Uncertain significance. Last evaluated: 2023-06-13. Review status: criteria provided, single submitter. Criteria: ARUP Molecular Germline Variant Investigation Process 2024. Collection method: clinical testing. Allele origin: germline.
Comment: The FBN2 c.6173A>G; p.Asn2058Ser variant (rs1328822406), to our knowledge, is not reported in the medical literature or gene specific databases. This variant is also absent from the Genome Aggregation Database, indicating it is not a common polymorphism. Computational analyses are uncertain whether this variant is neutral or deleterious (REVEL: 0.691). Due to limited information, the clinical significance of this variant is uncertain at this time.

NM_001999.4(FBN2):c.6173A>G (p.Asn2058Ser)

Gene: FBN2 (fibrillin 2; minus strand). Cytogenetic location: 5q23.3.
Variant type: single nucleotide variant.
Coding change: c.6173A>G on transcript NM_001999.4 (MANE Select); coding-DNA position 6173, A replaced by G.
Protein change: p.Asn2058Ser; replaces asparagine 2058 with serine.
Molecular consequence: missense variant.
Genome position (GRCh38, 1-based): chr5:128,291,648, T>C on the plus strand (A>G on the coding strand, the complement: FBN2 is on the minus strand). VCF-style: chr5-128291648-T-C. GRCh37 (hg19) VCF-style: chr5-127627340-T-C.
Other names: c.6173A>G (NM_001999.3); short protein forms N2058S.
Identifiers: ClinVar variation 2637632 (VCV002637632.4), dbSNP rs1328822406, ClinGen allele CA360764587.